The following is an entry in ClinVar:

ClinVar aggregate classification (germline): Likely pathogenic. Review status: reviewed by expert panel (3 of 4 stars). 2 submissions from 2 submitters: Likely pathogenic (1). 1 of the submissions does not count toward it. Last evaluated 2026-10-05.

Conditions:
Hereditary thrombocytopenia and hematological cancer predisposition syndrome associated with RUNX1. Also called: PLATELET DISORDER, ASPIRIN-LIKE; Familial Platelet Disorder with Propensity to Acute Myelogenous Leukemia; Familial thrombocytopenia with propensity to acute myelogenous leukemia; RUNX1 Familial Platelet Disorder with Associated Myeloid Malignancies. Identifiers: Orphanet 71290, MedGen C1832388, MeSH C563324, MONDO:0100083, OMIM 601399.
Hereditary thrombocytopenia and hematologic cancer predisposition syndrome. Identifiers: Orphanet 71290, MedGen CN281654, MONDO:0011071.

Submissions (2):

ClinGen Myeloid Malignancy Variant Curation Expert Panel
Classification: Likely pathogenic for Hereditary thrombocytopenia and hematologic cancer predisposition syndrome. Last evaluated: 2026-10-05. Review status: reviewed by expert panel. Criteria: ClinGen MyeloMalig ACMG Specifications V3.1. Collection method: curation. Allele origin: germline. Inheritance: Autosomal dominant inheritance.
Comment: NM_001754.5(RUNX1):c.1271C>A (p.Ser424Ter) is a nonsense variant which is not predicted to undergo NMD (PVS1_Strong). This variant is downstream of c.98 (PM5_Supporting) and is completely absent from all population databases with at least 20x coverage for RUNX1 (PM2_Supporting). In summary, this variant meets criteria to be classified as likely pathogenic. ACMG/AMP criteria applied, as specified by the ClinGen Myeloid Malignancy Variant Curation Expert Panel for RUNX1: PVS1_Strong, PM5_Supporting, PM2_Supporting.

Labcorp Genetics (formerly Invitae), Labcorp
Classification: Uncertain significance for Hereditary thrombocytopenia and hematological cancer predisposition syndrome associated with RUNX1. Last evaluated: 2023-09-01. Review status: criteria provided, single submitter. Criteria: Invitae Variant Classification Sherloc (09022015). Collection method: clinical testing. Allele origin: germline. Not counted in ClinVar's aggregate classification.
Comment: In summary, the available evidence is currently insufficient to determine the role of this variant in disease. Therefore, it has been classified as a Variant of Uncertain Significance. This variant has not been reported in the literature in individuals affected with RUNX1-related conditions. This variant is not present in population databases (gnomAD no frequency). This sequence change creates a premature translational stop signal (p.Ser424*) in the RUNX1 gene. While this is not anticipated to result in nonsense mediated decay, it is expected to disrupt the last 57 amino acid(s) of the RUNX1 protein.

NM_001754.5(RUNX1):c.1271C>A (p.Ser424Ter)

Gene: RUNX1 (RUNX family transcription factor 1; minus strand). Cytogenetic location: 21q22.12.
Variant type: single nucleotide variant.
Coding change: c.1271C>A on transcript NM_001754.5 (MANE Select); coding-DNA position 1271, C replaced by A.
Protein change: p.Ser424Ter; replaces serine 424 with a stop codon.
Molecular consequence: nonsense.
Genome position (GRCh38, 1-based): chr21:34,792,307, G>T on the plus strand (C>A on the coding strand, the complement: RUNX1 is on the minus strand). VCF-style: chr21-34792307-G-T. GRCh37 (hg19) VCF-style: chr21-36164604-G-T.
Other names: NM_001754.5(RUNX1):c.1271C>A; p.Ser424Ter; c.1190C>A, p.Ser397Ter (NM_001001890.3); short protein forms S397*, S424*.
Identifiers: ClinVar variation 2757091 (VCV002757091.5), dbSNP rs1476276192, ClinGen allele CA410147557.